The following is an entry in ClinVar:

NM_024009.3(GJB3):c.258C>A (p.Cys86Ter)

Gene: GJB3 (gap junction protein beta 3; plus strand). Cytogenetic location: 1p34.3.
Variant type: single nucleotide variant.
Coding change: c.258C>A on transcript NM_024009.3 (MANE Select); coding-DNA position 258, C replaced by A.
Protein change: p.Cys86Ter; replaces cysteine 86 with a stop codon.
Molecular consequence: nonsense.
Genome position (GRCh38, 1-based): chr1:34,785,020, C>A. VCF-style: chr1-34785020-C-A. GRCh37 (hg19) VCF-style: chr1-35250621-C-A.
Other names: c.258C>A, p.Cys86Ter (NM_001005752.2); short protein forms C86*.
Identifiers: ClinVar variation 2709977 (VCV002709977.3), dbSNP rs1640079536, ClinGen allele CA339312628.

ClinVar aggregate classification (germline): Uncertain significance (1 of 4 stars; one submission).

Submission:

Labcorp Genetics (formerly Invitae), Labcorp
Classification: Uncertain significance. Last evaluated: 2024-01-18. Review status: criteria provided, single submitter. Criteria: Invitae Variant Classification Sherloc (09022015). Collection method: clinical testing. Allele origin: germline.
Comment: This sequence change creates a premature translational stop signal (p.Cys86*) in the GJB3 gene. While this is not anticipated to result in nonsense mediated decay, it is expected to disrupt the last 185 amino acid(s) of the GJB3 protein. This variant is not present in population databases (gnomAD no frequency). This variant has not been reported in the literature in individuals affected with GJB3-related conditions. In summary, the available evidence is currently insufficient to determine the role of this variant in disease. Therefore, it has been classified as a Variant of Uncertain Significance.